The following is an entry in ClinVar:

NM_012120.3(CD2AP):c.180_181del (p.Glu60fs)

Gene: CD2AP (CD2 associated protein; plus strand). Cytogenetic location: 6p12.3.
Variant type: Microsatellite.
Coding change: c.180_181del on transcript NM_012120.3 (MANE Select); coding-DNA positions 180 to 181, 2 bases deleted (GA; older notation c.180_181delGA).
Protein change: p.Glu60fs; shifts the reading frame from glutamic acid 60.
Molecular consequence: frameshift variant.
Genome position (GRCh38, 1-based): chr6:47,533,616-47,533,617, GA deleted; deleting any 2 consecutive bases within chr6:47,533,611-47,533,617 gives the same sequence; the c. name uses the placement nearest the transcript's 3' end. VCF-style (leftmost placement, unchanged base first): chr6-47533610-AAG-A. GRCh37 (hg19) VCF-style: chr6-47501346-AAG-A.
Other names: short protein forms E60fs.
Identifiers: ClinVar variation 1027764 (VCV001027764.1), dbSNP rs1766948408, ClinGen allele CA1088695139.

ClinVar aggregate classification (germline): Uncertain significance (1 of 4 stars; one submission).

Conditions:
Focal segmental glomerulosclerosis 3, susceptibility to (FSGS3). Identifiers: Orphanet 656, MedGen C1842982, MONDO:0011917, OMIM 607832.

Submission:

Baylor Genetics
Classification: Uncertain significance for Focal segmental glomerulosclerosis 3, susceptibility to. Last evaluated: 2019-07-12. Review status: criteria provided, single submitter. Criteria: ACMG Guidelines, 2015. Collection method: clinical testing. Allele origin: maternal. Affected: yes.
Comment: This variant was determined to be of uncertain significance according to ACMG Guidelines, 2015 [PMID:25741868].